The following is an entry in ClinVar:

NM_001145358.2(SIN3A):c.1799C>T (p.Ser600Phe)

Gene: SIN3A (SIN3 transcription regulator family member A; minus strand). Cytogenetic location: 15q24.2.
Variant type: single nucleotide variant.
Coding change: c.1799C>T on transcript NM_001145358.2 (MANE Select); coding-DNA position 1799, C replaced by T.
Protein change: p.Ser600Phe; replaces serine 600 with phenylalanine.
Molecular consequence: missense variant.
Genome position (GRCh38, 1-based): chr15:75,400,095, G>A on the plus strand (C>T on the coding strand, the complement: SIN3A is on the minus strand). VCF-style: chr15-75400095-G-A. GRCh37 (hg19) VCF-style: chr15-75692436-G-A.
Other names: c.1799C>T, p.Ser600Phe (NM_001145357.2, NM_015477.3); short protein forms S600F.
Identifiers: ClinVar variation 1303870 (VCV001303870.2), dbSNP rs369940927, ClinGen allele CA7667590.

ClinVar aggregate classification (germline): Uncertain significance (1 of 4 stars; one submission).

Allele frequency attached by ClinVar (database versions not stated): gnomAD exomes below 0.00001; TOPMed below 0.00001; ExAC 0.00001; ESP Exome Variant Server 0.00008.

Submission:

GeneDx
Classification: Uncertain significance. Last evaluated: 2020-08-13. Review status: criteria provided, single submitter. Criteria: GeneDx Variant Classification Process June 2021. Collection method: clinical testing. Allele origin: germline. Affected: yes.
Comment: In silico analysis supports that this missense variant has a deleterious effect on protein structure/function; Has not been previously published as pathogenic or benign to our knowledge